The following is an entry in ClinVar:

NM_001256545.2(MEGF10):c.1363C>T (p.Arg455Cys)

Gene: MEGF10 (multiple EGF like domains 10; plus strand). Cytogenetic location: 5q23.2.
Variant type: single nucleotide variant.
Coding change: c.1363C>T on transcript NM_001256545.2 (MANE Select); coding-DNA position 1363, C replaced by T.
Protein change: p.Arg455Cys; replaces arginine 455 with cysteine.
Molecular consequence: missense variant.
Genome position (GRCh38, 1-based): chr5:127,419,177, C>T. VCF-style: chr5-127419177-C-T. GRCh37 (hg19) VCF-style: chr5-126754869-C-T.
Other names: c.1363C>T, p.Arg455Cys (NM_001308119.2, NM_001308121.2, NM_032446.3); short protein forms R455C.
Identifiers: ClinVar variation 2157740 (VCV002157740.4), dbSNP rs765998227, ClinGen allele CA3391554.

ClinVar aggregate classification (germline): Uncertain significance (1 of 4 stars; one submission).

Conditions:
MEGF10-related myopathy (CMYO10A). Also called: Congenital myopathy 10A, severe variant. Identifiers: Orphanet 439212, MedGen C3280679, MONDO:0013731, OMIM 614399.

Allele frequency attached by ClinVar (database versions not stated): TOPMed below 0.00001; ExAC 0.00001.
gnomAD v4.1: 6 of 1,614,114 alleles (0.00037%); highest among the groups gnomAD compares: East Asian, 0.0022%; no homozygotes.

Submission:

Labcorp Genetics (formerly Invitae), Labcorp
Classification: Uncertain significance for MEGF10-related myopathy. Last evaluated: 2022-06-07. Review status: criteria provided, single submitter. Criteria: Invitae Variant Classification Sherloc (09022015). Collection method: clinical testing. Allele origin: germline.
Comment: This sequence change replaces arginine, which is basic and polar, with cysteine, which is neutral and slightly polar, at codon 455 of the MEGF10 protein (p.Arg455Cys). This variant is present in population databases (rs765998227, gnomAD 0.003%). This variant has not been reported in the literature in individuals affected with MEGF10-related conditions. Algorithms developed to predict the effect of missense changes on protein structure and function (SIFT, PolyPhen-2, Align-GVGD) all suggest that this variant is likely to be tolerated. In summary, the available evidence is currently insufficient to determine the role of this variant in disease. Therefore, it has been classified as a Variant of Uncertain Significance.